The following is an entry in ClinVar:

ClinVar aggregate classification (germline): Conflicting classifications of pathogenicity. Review status: criteria provided, conflicting classifications (1 of 4 stars). 2 submissions from 2 submitters: Uncertain significance (1); Likely benign (1). Last evaluated 2024-07-23.

Conditions:
Cardiovascular phenotype. Identifiers: MedGen CN230736.
Hypercholesterolemia, autosomal dominant, type B (FHCL2). Also called: APOB-Related Familial Hypercholesterolemia, Autosomal Dominant; Familial Hypercholesterolemia Type B; APOLIPOPROTEIN B-100, FAMILIAL DEFECTIVE; APOLIPOPROTEIN B-100, FAMILIAL LIGAND-DEFECTIVE; HYPERCHOLESTEROLEMIA, FAMILIAL, DUE TO LIGAND-DEFECTIVE APOLIPOPROTEIN B; Hyperlipoproteinemia Type IIb. Identifiers: MedGen C1704417, MONDO:0007751, OMIM 144010.
Familial hypobetalipoproteinemia 1. Also called: Hypobetalipoproteinemia, normotriglyceridemic; Acanthocytosis with hypobetalipoproteinemia; APOB-Related Familial Hypobetalipoproteinemia. Identifiers: MedGen C4551990, MONDO:0014252, OMIM 615558.

Allele frequency attached by ClinVar (database versions not stated): gnomAD exomes below 0.00001; TOPMed below 0.00001; ExAC 0.00002.
gnomAD v4.1: 2 of 1,614,124 alleles (0.00012%); highest among the groups gnomAD compares: Admixed American, 0.0033%; no homozygotes.

Submissions (2):

Ambry Genetics
Classification: Uncertain significance for Cardiovascular phenotype. Last evaluated: 2024-07-23. Review status: criteria provided, single submitter. Criteria: Ambry Variant Classification Scheme 2023. Collection method: clinical testing. Allele origin: germline.
Comment: The p.E428K variant (also known as c.1282G>A), located in coding exon 10 of the APOB gene, results from a G to A substitution at nucleotide position 1282. The glutamic acid at codon 428 is replaced by lysine, an amino acid with similar properties. This amino acid position is not well conserved in available vertebrate species. In addition, this alteration is predicted to be tolerated by in silico analysis. Based on the available evidence, the clinical significance of this variant remains unclear.

Labcorp Genetics (formerly Invitae), Labcorp
Classification: Likely benign for Familial hypobetalipoproteinemia 1; Hypercholesterolemia, autosomal dominant, type B. Last evaluated: 2023-03-07. Review status: criteria provided, single submitter. Criteria: Invitae Variant Classification Sherloc (09022015). Collection method: clinical testing. Allele origin: germline.

NM_000384.3(APOB):c.1282G>A (p.Glu428Lys)

Gene: APOB (apolipoprotein B; minus strand). Cytogenetic location: 2p24.1.
Variant type: single nucleotide variant.
Coding change: c.1282G>A on transcript NM_000384.3 (MANE Select); coding-DNA position 1282, G replaced by A.
Protein change: p.Glu428Lys; replaces glutamic acid 428 with lysine.
Molecular consequence: missense variant.
Genome position (GRCh38, 1-based): chr2:21,032,424, C>T on the plus strand (G>A on the coding strand, the complement: APOB is on the minus strand). VCF-style: chr2-21032424-C-T. GRCh37 (hg19) VCF-style: chr2-21255296-C-T.
Other names: c.1282G>A (NM_000384.2); short protein forms E428K.
Identifiers: ClinVar variation 2930531 (VCV002930531.4), dbSNP rs752120730, ClinGen allele CA051316.
Genomic context (GRCh38, chr2:21,032,424, plus strand): 5'-CGTGGCTCAGCGCATACAAGGTGGCTCGGCTGCGCTGATCCCTCGCCATGTTGAAGATCT[C>T]TCGCAGCTGCTGTGCTGAGGGCTCGGGGATCAGGGCCACCAGGTAGGTGACCACATCTAT-3'
Protein context (NP_000375.3, residues 418-438): IPEPSAQQLR[Glu428Lys]IFNMARDQRS